The following is an entry in ClinVar:

NM_015100.4(POGZ):c.2433-1G>C

Gene: POGZ (pogo transposable element derived with ZNF domain; minus strand). Cytogenetic location: 1q21.3.
Variant type: single nucleotide variant.
Coding change: c.2433-1G>C on transcript NM_015100.4 (MANE Select); the canonical splice acceptor site of the intron before coding-DNA position 2433, G replaced by C.
Molecular consequence: splice acceptor variant.
Genome position (GRCh38, 1-based): chr1:151,407,024, C>G on the plus strand (G>C on the coding strand, the complement: POGZ is on the minus strand). VCF-style: chr1-151407024-C-G. GRCh37 (hg19) VCF-style: chr1-151379500-C-G.
Other names: c.2247-1G>C (NM_001194938.2); c.2148-1G>C (NM_145796.4); c.2406-1G>C (NM_001194937.2); c.2454-1G>C (NM_001410860.1); c.2274-1G>C (NM_207171.2).
Identifiers: ClinVar variation 2578365 (VCV002578365.1), dbSNP rs2529223791, ClinGen allele CA341953737.

ClinVar aggregate classification (germline): Likely pathogenic (1 of 4 stars; one submission).

Conditions:
Intellectual disability-microcephaly-strabismus-behavioral abnormalities syndrome. Also called: White-Sutton Syndrome. Identifiers: Orphanet 468678, MedGen C4225351, MONDO:0014606, OMIM 616364.

Submission:

Institute of Human Genetics, FAU Erlangen, Friedrich-Alexander-Universität Erlangen-Nürnberg
Classification: Likely pathogenic for Intellectual disability-microcephaly-strabismus-behavioral abnormalities syndrome. Last evaluated: 2023-09-07. Review status: criteria provided, single submitter. Criteria: Hauer et al. (Genet Med. 2018). Collection method: clinical testing. Allele origin: germline. Inheritance: Unknown mechanism. Affected: yes. Observed: 1 variant allele.
Comment: This variant has been identified by standard clinical testing. Selected ACMG criteria: Likely pathogenic (I):PM2;PVS1